The following is an entry in ClinVar:

NM_001330574.2(ZNF711):c.*153A>G

Gene: ZNF711 (ZFX family zinc finger ZNF711; plus strand). Cytogenetic location: Xq21.1.
Variant type: single nucleotide variant.
Coding change: c.*153A>G on transcript NM_001330574.2 (MANE Select); 153 bases downstream of the stop codon, A replaced by G.
Molecular consequence: 3 prime UTR variant.
Genome position (GRCh38, 1-based): chrX:85,271,981, A>G. VCF-style: chrX-85271981-A-G. GRCh37 (hg19) VCF-style: chrX-84526987-A-G.
Other names: c.*153A>G (NM_021998.5).
Identifiers: ClinVar variation 368751 (VCV000368751.9), dbSNP rs2343388, ClinGen allele CA10646428.
Genomic context (GRCh38, chrX:85,271,981, plus strand): 5'-TGATACTAAACCATGACTTTACATTCTTTGTATTAAAGATCTTAAAATATTTGAATTCAC[A>G]GGGGATCCCATAGCCCTTTGAAAATTACTTAAAGAATTTAAGAAGCACTATAGAATGGTT-3'

ClinVar aggregate classification (germline): Benign. Review status: criteria provided, multiple submitters, no conflicts (2 of 4 stars). 3 submissions from 3 submitters: Benign (3). Last evaluated 2021-06-19.

Conditions:
Intellectual developmental disorder, X-linked 97. Also called: Intellectual disability, X-linked 97. Identifiers: Orphanet 777, MedGen C2749020, MONDO:0010430, OMIM 300803.

Allele frequency attached by ClinVar (database versions not stated): 1000 Genomes Project 0.23311; gnomAD 0.21897; TOPMed 0.21838; gnomAD exomes 0.15948; 1000 Genomes Project 30x 0.23143.
gnomAD v4.1: 84,031 of 488,451 alleles (17%); highest among the groups gnomAD compares: African/African-American, 40%; 5,983 homozygotes.

Submissions (3):

GeneDx
Classification: Benign. Last evaluated: 2021-06-19. Review status: criteria provided, single submitter. Criteria: GeneDx Variant Classification Process June 2021. Collection method: clinical testing. Allele origin: germline. Affected: yes.

Illumina Laboratory Services, Illumina
Classification: Benign for Intellectual developmental disorder, X-linked 97. Last evaluated: 2017-04-27. Review status: criteria provided, single submitter. Criteria: ICSL Variant Classification Criteria 13 December 2019. Collection method: clinical testing. Allele origin: germline.
Comment: This variant was observed as part of a predisposition screen in an ostensibly healthy population. A literature search was performed for the gene, cDNA change, and amino acid change (where applicable). No publications were found based on this search. Allele frequency data from public databases was too high to be consistent with this variant causing disease. Therefore, this variant is classified as benign.

Breakthrough Genomics
Classification: Benign. Review status: criteria provided, single submitter. Criteria: ACMG Guidelines, 2015. Collection method: not provided. Allele origin: germline. Inheritance: X-linked inheritance. Affected: yes.